The following is an entry in ClinVar:

NC_000019.9:g.(?_44010870)_(44013017_44015588)del

Gene: ETHE1 (ETHE1 persulfide dioxygenase; minus strand). Cytogenetic location: 19q13.31.
Variant type: Deletion.
Identifiers: ClinVar variation 1723335 (VCV001723335.1).

ClinVar aggregate classification (germline): Likely pathogenic (1 of 4 stars; one submission).

Conditions:
Ethylmalonic encephalopathy (EE). Also called: EPEMA syndrome; Encephalopathy, petechiae, and ethylmalonic aciduria; Syndrome of encephalopathy, petechiae, and ethylmalonic aciduria. Identifiers: Orphanet 51188, MedGen C1865349, MONDO:0011229, OMIM 602473. Disease mechanism: loss of function.

Submission:

Women's Health and Genetics/Laboratory Corporation of America, LabCorp
Classification: Likely pathogenic for Ethylmalonic encephalopathy. Last evaluated: 2022-10-18. Review status: criteria provided, single submitter. Criteria: LabCorp Variant Classification Summary - May 2015. Collection method: clinical testing. Allele origin: germline.
Comment: Variant summary: The variant identified by MLPA or other technology involves the deletion of exons 5-7 in the ETHE1 gene, which includes the last exon. A presumed nomenclature of c.(505+1_506-1)_(*132_?)del has been designated for the purposes of this classification. The variant was absent in 21694 control chromosomes (gnomAD, Structural Variants dataset). To our knowledge, no occurrence of c.(505+1_506-1)_(*132_?)del in individuals affected with Ethylmalonic Encephalopathy and no experimental evidence demonstrating its impact on protein function have been reported, however an exon 4-7 deletion has been previously reported in patient(s) with disease (HGMD: CG084475). No clinical diagnostic laboratories have submitted clinical-significance assessments for this variant to ClinVar after 2014. Nevertheless, a ClinVar submiter (evaluation after 2014) cites a deletion of exons 5-6 as likely pathogenic (Variation ID: 1519063). Based on the evidence outlined above, the variant was classified as likely pathogenic.